The following is an entry in ClinVar:

NM_032581.4(HYCC1):c.*3804A>C

Gene: HYCC1 (hyccin PI4KA lipid kinase complex subunit 1; minus strand). Cytogenetic location: 7p15.3.
Variant type: single nucleotide variant.
Coding change: c.*3804A>C on transcript NM_032581.4 (MANE Select); 3804 bases downstream of the stop codon, A replaced by C.
Molecular consequence: 3 prime UTR variant.
Genome position (GRCh38, 1-based): chr7:22,941,785, T>G on the plus strand (A>C on the coding strand, the complement: HYCC1 is on the minus strand). VCF-style: chr7-22941785-T-G. GRCh37 (hg19) VCF-style: chr7-22981404-T-G.
Other names: c.*4406A>C (NM_001363466.2); c.*4364A>C (NM_001363467.2).
Identifiers: ClinVar variation 359719 (VCV000359719.5), dbSNP rs34683819, ClinGen allele CA10625749.

ClinVar aggregate classification (germline): Benign (1 of 4 stars; one submission).

Conditions:
Hypomyelination and Congenital Cataract (HLD5). Also called: hypomyelinating leukodystrophy 5. Identifiers: Orphanet 85163, MedGen C1864663, MONDO:0012514, OMIM 610532.

Allele frequency attached by ClinVar (database versions not stated): 1000 Genomes Project 0.22504; 1000 Genomes Project 30x 0.22548; TOPMed 0.26863; gnomAD 0.27861 and 0.27987.

Submission:

Illumina Laboratory Services, Illumina
Classification: Benign for Hypomyelination and Congenital Cataract. Last evaluated: 2018-01-13. Review status: criteria provided, single submitter. Criteria: ICSL Variant Classification Criteria 13 December 2019. Collection method: clinical testing. Allele origin: germline.
Comment: This variant was observed in the ICSL laboratory as part of a predisposition screen in an ostensibly healthy population. It had not been previously curated by ICSL or reported in the Human Gene Mutation Database (HGMD: prior to June 1st, 2018), and was therefore a candidate for classification through an automated scoring system. Utilizing variant allele frequency, disease prevalence and penetrance estimates, and inheritance mode, an automated score was calculated to assess if this variant is too frequent to cause the disease. Based on the score and internal cut-off values, a variant classified as benign is not then subjected to further curation. The score for this variant resulted in a classification of benign for this disease.